The following is an entry in ClinVar:

NM_206926.2(SELENON):c.973A>G (p.Ile325Val)

Gene: SELENON (selenoprotein N; plus strand). Cytogenetic location: 1p36.11.
Variant type: single nucleotide variant.
Coding change: c.973A>G on transcript NM_206926.2 (MANE Select); coding-DNA position 973, A replaced by G.
Protein change: p.Ile325Val; replaces isoleucine 325 with valine.
Molecular consequence: missense variant.
Genome position (GRCh38, 1-based): chr1:25,811,518, A>G. VCF-style: chr1-25811518-A-G. GRCh37 (hg19) VCF-style: chr1-26138009-A-G.
Other names: c.1075A>G, p.Ile359Val (NM_020451.3); short protein forms I359V, I325V.
Identifiers: ClinVar variation 162604 (VCV000162604.8), dbSNP rs201316362, ClinGen allele CA295452.

ClinVar aggregate classification (germline): Uncertain significance. Review status: criteria provided, multiple submitters, no conflicts (2 of 4 stars). 2 submissions from 2 submitters: Uncertain significance (2). Last evaluated 2023-09-20.

Conditions:
Inborn genetic diseases. Identifiers: MedGen C0950123, MeSH D030342.
Eichsfeld type congenital muscular dystrophy (CMYO3). Also called: MYOPATHY, SEPN1-RELATED; SELENON-related myopathy; Congenital myopathy 3 with rigid spine; Rigid spine muscular dystrophy 1. Identifiers: MedGen C0410180, MONDO:0100100, OMIM 602771.

Allele frequency attached by ClinVar (database versions not stated): gnomAD 0.00002 and 0.00003; gnomAD exomes 0.00002 and 0.00003; TOPMed 0.00002; ExAC 0.00003; ESP Exome Variant Server 0.00008; 1000 Genomes Project 30x 0.00016; 1000 Genomes Project 0.00020.
gnomAD v4.1: 40 of 1,614,148 alleles (0.0025%); highest among the groups gnomAD compares: East Asian, 0.022%; no homozygotes.

Submissions (2):

Ambry Genetics
Classification: Uncertain significance for Inborn genetic diseases. Last evaluated: 2023-09-20. Review status: criteria provided, single submitter. Criteria: Ambry Variant Classification Scheme 2023. Collection method: clinical testing. Allele origin: germline.

Labcorp Genetics (formerly Invitae), Labcorp
Classification: Uncertain significance for Eichsfeld type congenital muscular dystrophy. Last evaluated: 2022-02-02. Review status: criteria provided, single submitter. Criteria: Invitae Variant Classification Sherloc (09022015). Collection method: clinical testing. Allele origin: germline.
Comment: This sequence change replaces isoleucine, which is neutral and non-polar, with valine, which is neutral and non-polar, at codon 359 of the SELENON protein (p.Ile359Val). This variant is present in population databases (rs201316362, gnomAD 0.007%). This variant has not been reported in the literature in individuals affected with SELENON-related conditions. ClinVar contains an entry for this variant (Variation ID: 162604). Algorithms developed to predict the effect of missense changes on protein structure and function (SIFT, PolyPhen-2, Align-GVGD) all suggest that this variant is likely to be disruptive. In summary, the available evidence is currently insufficient to determine the role of this variant in disease. Therefore, it has been classified as a Variant of Uncertain Significance.